The following is an entry in ClinVar:

NM_000218.3(KCNQ1):c.666del (p.Phe222fs)

Gene: KCNQ1 (potassium voltage-gated channel subfamily Q member 1; plus strand). Cytogenetic location: 11p15.5.
Variant type: Deletion.
Coding change: c.666del on transcript NM_000218.3 (MANE Select); coding-DNA position 666, one base deleted (T; older notation c.666delT).
Protein change: p.Phe222fs; shifts the reading frame from phenylalanine 222.
Molecular consequence: frameshift variant. On other transcripts: intron variant (1).
Genome position (GRCh38, 1-based): chr11:2,571,386, T deleted; the last of 3 consecutive T bases (chr11:2,571,384-2,571,386); deleting any one gives the same sequence. VCF-style (leftmost placement, unchanged base first): chr11-2571383-GT-G. GRCh37 (hg19) VCF-style: chr11-2592613-GT-G.
Other names: c.666del, p.Phe222fs (NM_001406836.1); c.396del, p.Phe132fs (NM_001406837.1); c.285del, p.Phe95fs (NM_181798.2); c.478-12049del (NM_001406838.1); short protein forms F132fs, F95fs, F222fs.
Identifiers: ClinVar variation 2814371 (VCV002814371.3), dbSNP rs2493669942, ClinGen allele CA2739276178.

ClinVar aggregate classification (germline): Pathogenic (1 of 4 stars; one submission).

Conditions:
Long QT syndrome (LQTS). Identifiers: MedGen C0023976, MeSH D008133, MONDO:0002442. Disease mechanism: loss of function. Inheritance: Various modes of inheritance.

Submission:

Labcorp Genetics (formerly Invitae), Labcorp
Classification: Pathogenic for Long QT syndrome. Last evaluated: 2022-12-14. Review status: criteria provided, single submitter. Criteria: Invitae Variant Classification Sherloc (09022015). Collection method: clinical testing. Allele origin: germline.
Comment: This sequence change creates a premature translational stop signal (p.Phe222Leufs*15) in the KCNQ1 gene. It is expected to result in an absent or disrupted protein product. Loss-of-function variants in KCNQ1 are known to be pathogenic (PMID: 9323054, 19862833). This variant is not present in population databases (gnomAD no frequency). This variant has not been reported in the literature in individuals affected with KCNQ1-related conditions. For these reasons, this variant has been classified as Pathogenic.

Literature cited by the submitters: PubMed 9323054; PubMed 19862833.